The following is an entry in ClinVar:

NM_001365536.1(SCN9A):c.5763C>G (p.Asp1921Glu)

Genes: SCN1A-AS1 (SCN1A and SCN9A antisense RNA 1; plus strand), SCN9A (sodium voltage-gated channel alpha subunit 9; minus strand). Cytogenetic location: 2q24.3.
Variant type: single nucleotide variant.
Coding change: c.5763C>G on transcript NM_001365536.1 (MANE Select); coding-DNA position 5763, C replaced by G.
Protein change: p.Asp1921Glu; replaces aspartic acid 1921 with glutamic acid.
Molecular consequence: missense variant.
Genome position (GRCh38, 1-based): chr2:166,198,876, G>C on the plus strand (C>G on the coding strand, the complement: SCN9A is on the minus strand). VCF-style: chr2-166198876-G-C. GRCh37 (hg19) VCF-style: chr2-167055386-G-C.
Other names: c.5730C>G, p.Asp1910Glu (NM_002977.4); short protein forms D1910E, D1921E.
Identifiers: ClinVar variation 846080 (VCV000846080.10), dbSNP rs1693333716, ClinGen allele CA349051556.

ClinVar aggregate classification (germline): Uncertain significance (1 of 4 stars; one submission).

Conditions:
Neuropathy, hereditary sensory and autonomic, type 2A (HSAN2A). Also called: HSAN IIA; ACROOSTEOLYSIS, GIACCAI TYPE; ACROOSTEOLYSIS, NEUROGENIC; MORVAN DISEASE; NEUROPATHY, CONGENITAL SENSORY; NEUROPATHY, HEREDITARY SENSORY RADICULAR, AUTOSOMAL RECESSIVE. Identifiers: Orphanet 970, MedGen C2752089, MONDO:0024309, OMIM 201300.
Generalized epilepsy with febrile seizures plus, type 7 (GEFSP7). Also called: GEFS+, TYPE 7. Identifiers: Orphanet 36387, MedGen C2751778, MONDO:0013470, OMIM 613863.

gnomAD v4.1: 1 of 1,613,630 alleles (0.000062%); no homozygotes.

Submission:

Labcorp Genetics (formerly Invitae), Labcorp
Classification: Uncertain significance for Neuropathy, hereditary sensory and autonomic, type 2A; Generalized epilepsy with febrile seizures plus, type 7. Last evaluated: 2025-09-16. Review status: criteria provided, single submitter. Criteria: Invitae Variant Classification Sherloc (09022015). Collection method: clinical testing. Allele origin: germline.
Comment: This sequence change replaces aspartic acid, which is acidic and polar, with glutamic acid, which is acidic and polar, at codon 1910 of the SCN9A protein (p.Asp1910Glu). This variant is not present in population databases (gnomAD no frequency). This variant has not been reported in the literature in individuals affected with SCN9A-related conditions. ClinVar contains an entry for this variant (Variation ID: 846080). An algorithm developed to predict the effect of missense changes on protein structure and function outputs the following: PolyPhen-2: "Benign". The glutamic acid amino acid residue is found in multiple mammalian species, which suggests that this missense change does not adversely affect protein function. In summary, the available evidence is currently insufficient to determine the role of this variant in disease. Therefore, it has been classified as a Variant of Uncertain Significance.